The following is an entry in ClinVar:

ClinVar aggregate classification (germline): Likely pathogenic (1 of 4 stars; one submission).

Conditions:
Pontocerebellar hypoplasia type 6 (PCH6). Identifiers: Orphanet 166073, MedGen C1969084, MONDO:0012683, OMIM 611523.

Submission:

Natera, Inc.
Classification: Likely pathogenic for Pontocerebellar hypoplasia, type 6. Last evaluated: 2025-08-06. Review status: criteria provided, single submitter. Criteria: Natera Variant Classification Schema (03/2026). Collection method: clinical testing. Allele origin: germline.
Comment: The c.1256dup variant in RARS2 is a frameshift variant predicted to shift the reading frame beginning at codon 419 and leads to a stop codon 26 codons downstream. This variant is expected to result in nonsense mediated decay, truncation, or a dysfunctional protein product. This variant is rare in the general population with a frequency below the threshold expected for the associated phenotype(s). Given the available evidence, this variant is classified as Likely Pathogenic.

NM_020320.5(RARS2):c.1256dup (p.Asn419fs)

Gene: RARS2 (arginyl-tRNA synthetase 2, mitochondrial; minus strand). Cytogenetic location: 6q15.
Variant type: Duplication.
Coding change: c.1256dup on transcript NM_020320.5 (MANE Select); coding-DNA position 1256, one base duplicated (A; older notation c.1256dupA).
Protein change: p.Asn419fs; shifts the reading frame from asparagine 419.
Molecular consequence: frameshift variant. On other transcripts: non-coding transcript variant (23).
Genome position (GRCh38, 1-based): chr6:87,518,873, T duplicated on the plus strand (A on the coding strand, the reverse complement: RARS2 is on the minus strand); the first of 2 consecutive T bases (chr6:87,518,873-87,518,874); duplicating either gives the same sequence. VCF-style (leftmost placement, unchanged base first): chr6-87518872-G-GT. GRCh37 (hg19) VCF-style: chr6-88228590-G-GT.
Other names: c.731dup, p.Asn244fs (NM_001318785.2, NM_001350506.2, NM_001350507.2 and 4 more transcripts); c.1256dup, p.Asn419fs (NM_001350505.2); short protein forms N244fs, N419fs.
Identifiers: ClinVar variation 4816047 (VCV004816047.1).